The following is an entry in ClinVar:

NM_000642.3(AGL):c.4259+2T>C

Gene: AGL (amylo-alpha-1,6-glucosidase and 4-alpha-glucanotransferase; plus strand). Cytogenetic location: 1p21.2.
Variant type: single nucleotide variant.
Coding change: c.4259+2T>C on transcript NM_000642.3 (MANE Select); the canonical splice donor site of the intron after coding-DNA position 4259, T replaced by C.
Molecular consequence: splice donor variant.
Genome position (GRCh38, 1-based): chr1:99,915,488, T>C. VCF-style: chr1-99915488-T-C. GRCh37 (hg19) VCF-style: chr1-100381044-T-C.
Other names: c.4259+2T>C (NM_000643.3, NM_000644.3, NM_001425325.1 and 1 more transcripts); c.4211+2T>C (NM_000646.3); c.4238+2T>C (NM_001425326.1); c.4058+2T>C (NM_001425327.1); c.4055+2T>C (NM_001425328.1); c.3920+2T>C (NM_001425329.1); c.3881+2T>C (NM_001425332.1).
Identifiers: ClinVar variation 3768807 (VCV003768807.1).

ClinVar aggregate classification (germline): Likely pathogenic (1 of 4 stars; one submission).

Conditions:
Glycogen storage disease type III (GSD3). Also called: FORBES DISEASE; Cori disease. Identifiers: Orphanet 366, MedGen C0017922, MONDO:0009291, OMIM 232400.

Submission:

Women's Health and Genetics/Laboratory Corporation of America, LabCorp
Classification: Likely pathogenic for Glycogen storage disease type III. Last evaluated: 2025-02-03. Review status: criteria provided, single submitter. Criteria: LabCorp Variant Classification Summary - May 2015. Collection method: clinical testing. Allele origin: germline.
Comment: Variant summary: AGL c.4259+2T>C is located in a canonical splice-site and is predicted to affect mRNA splicing resulting in a significantly altered protein due to either exon skipping, shortening, or inclusion of intronic material. Variants that disrupt the consensus splice site are a relatively common cause of aberrant splicing and loss of AGL function. Several computational tools predict a significant impact on normal splicing: Two predict the variant abolishes a 5' splicing donor site. However, these predictions have yet to be confirmed by functional studies. The variant was absent in 250998 control chromosomes. To our knowledge, no occurrence of c.4259+2T>C in individuals affected with Glycogen Storage Disease Type III and no experimental evidence demonstrating its impact on protein function have been reported. No submitters have cited clinical-significance assessments for this variant to ClinVar. Based on the evidence outlined above, the variant was classified as likely pathogenic.